The following is an entry in ClinVar:

NC_000002.12:g.240042278C>A

Gene: PRR21 (proline rich 21; minus strand). Cytogenetic location: 2q37.3.
Variant type: single nucleotide variant.
Genome position: GRCh38 VCF-style: chr2-240042278-C-A. GRCh37 (hg19) VCF-style: chr2-240981695-C-A.
Identifiers: ClinVar variation 4533890 (VCV004533890.6).

ClinVar aggregate classification (germline): Likely benign (1 of 4 stars; one submission).

Submission:

CeGaT Center for Human Genetics Tuebingen
Classification: Likely benign. Last evaluated: 2025-11-01. Review status: criteria provided, single submitter. Criteria: CeGaT Center For Human Genetics Tuebingen Variant Classification Criteria Version 2. Collection method: clinical testing. Allele origin: germline. Affected: yes. Observed: 1 variant allele.
Comment: PRR21: PM2:Supporting, BP4, BP7